The following is an entry in ClinVar:

NM_001267550.2(TTN):c.32096-4_32117del

Gene: TTN (titin; minus strand). Cytogenetic location: 2q31.2.
Variant type: Deletion.
Coding change: c.32096-4_32117del on transcript NM_001267550.2 (MANE Select); 4 bases into the intron before coding-DNA position 32096 through coding-DNA position 32117, 26 bases deleted (AAAGCTGAAGTCTCTAAGAAAACTGT).
Molecular consequence: splice acceptor variant. On other transcripts: intron variant (3).
Genome position (GRCh38, 1-based): chr2:178,688,757-178,688,782, ACAGTTTTCTTAGAGACTTCAGCTTT deleted on the plus strand (AAAGCTGAAGTCTCTAAGAAAACTGT on the coding strand, the reverse complement: TTN is on the minus strand); deleting any 26 consecutive bases within chr2:178,688,757-178,688,783 gives the same sequence; the c. name uses the placement nearest the transcript's 3' end. VCF-style (leftmost placement, unchanged base first): chr2-178688756-AACAGTTTTCTTAGAGACTTCAGCTTT-A. GRCh37 (hg19) VCF-style: chr2-179553483-AACAGTTTTCTTAGAGACTTCAGCTTT-A.
Other names: c.13283-46465_13283-46440del (NM_003319.4); c.13859-46465_13859-46440del (NM_133437.4); c.13658-46465_13658-46440del (NM_133432.3); c.28364-4_28385del (NM_133378.4); c.31145-4_31166del (NM_001256850.1); c.32096-4_32117delAAAGCTGAAGTCTCTAAGAAAACTGT (NM_001267550.2).
Identifiers: ClinVar variation 567238 (VCV000567238.10), dbSNP rs1560398348, ClinGen allele CA891843380.
Genomic context (GRCh38, chr2:178,688,756, plus strand): 5'-CACTCTTTGAGGAACTGCGAAGGATAGTTTTTCTTCAGCAACAAATCTCTTTTCTTCTAC[AACAGTTTTCTTAGAGACTTCAGCTTT>A]AAGAAAGTGTTAAAGTTGAAGTTTAAAATCAAGAATTTTAACAATTCTCACTTTCTAGAA-3'

ClinVar aggregate classification (germline): Likely pathogenic (1 of 4 stars; one submission).

Conditions:
Dilated cardiomyopathy 1G (CMD1G). Identifiers: Orphanet 154, MedGen C1858763, MONDO:0011400, OMIM 604145.
Autosomal recessive limb-girdle muscular dystrophy type 2J (LGMDR10). Also called: MUSCULAR DYSTROPHY, LIMB-GIRDLE, AUTOSOMAL RECESSIVE 10; Limb-girdle muscular dystrophy, type 2J. Identifiers: Orphanet 140922, MedGen C1837342, MONDO:0012127, OMIM 608807.

Submission:

Labcorp Genetics (formerly Invitae), Labcorp
Classification: Likely pathogenic for Dilated cardiomyopathy 1G; Autosomal recessive limb-girdle muscular dystrophy type 2J. Last evaluated: 2024-11-04. Review status: criteria provided, single submitter. Criteria: Invitae Variant Classification Sherloc (09022015). Collection method: clinical testing. Allele origin: germline.
Comment: This variant results in the deletion of part of exon 126 (c.32096-4_32117del) of the TTN gene. It is expected to disrupt RNA splicing and likely results in a truncated or disrupted TTN protein. This variant is not present in population databases (gnomAD no frequency). This variant has not been reported in the literature in individuals affected with TTN-related conditions. ClinVar contains an entry for this variant (Variation ID: 567238). This variant is located in the I band of TTN (PMID: 25589632). Truncating variants in this region have been reported in individuals affected with autosomal recessive centronuclear myopathy (PMID: 23975875, internal data). Truncating variants in this region have also been identified in individuals affected with autosomal dominant dilated cardiomyopathy and/or cardio-related conditions (PMID: 27869827, 32964742, internal data). In summary, the currently available evidence indicates that the variant is pathogenic, but additional data are needed to prove that conclusively. Therefore, this variant has been classified as Likely Pathogenic.

Literature cited by the submitters: PubMed 25589632; PubMed 23975875; PubMed 27869827; PubMed 32964742.